The following is an entry in ClinVar:

ClinVar aggregate classification (germline): Uncertain significance (1 of 4 stars; one submission).

Submission:

Labcorp Genetics (formerly Invitae), Labcorp
Classification: Uncertain significance. Last evaluated: 2023-06-23. Review status: criteria provided, single submitter. Criteria: Invitae Variant Classification Sherloc (09022015). Collection method: clinical testing. Allele origin: germline.
Comment: This sequence change replaces arginine, which is basic and polar, with tryptophan, which is neutral and slightly polar, at codon 116 of the NEFH protein (p.Arg116Trp). Information on the frequency of this variant in the gnomAD database is not available, as this variant may be reported differently in the database. This variant has not been reported in the literature in individuals affected with NEFH-related conditions. Experimental studies and prediction algorithms are not available or were not evaluated, and the functional significance of this variant is currently unknown. In summary, the available evidence is currently insufficient to determine the role of this variant in disease. Therefore, it has been classified as a Variant of Uncertain Significance.

NM_021076.4(NEFH):c.345_346delinsTT (p.Arg116Trp)

Gene: NEFH (neurofilament heavy chain; plus strand). Cytogenetic location: 22q12.2.
Variant type: Indel.
Coding change: c.345_346delinsTT on transcript NM_021076.4 (MANE Select); coding-DNA positions 345 to 346, GC replaced by TT.
Protein change: p.Arg116Trp; replaces arginine 116 with tryptophan.
Molecular consequence: missense variant.
Genome position (GRCh38, 1-based): chr22:29,480,607-29,480,608, GC replaced by TT. VCF-style: chr22-29480607-GC-TT. GRCh37 (hg19) VCF-style: chr22-29876596-GC-TT.
Other names: short protein forms R116W.
Identifiers: ClinVar variation 2725068 (VCV002725068.3), dbSNP rs2517968574, ClinGen allele CA2697552597.